The following is an entry in ClinVar:

NM_002834.5(PTPN11):c.874C>G (p.Leu292Val)

Gene: PTPN11 (protein tyrosine phosphatase non-receptor type 11; plus strand). Cytogenetic location: 12q24.13.
Variant type: single nucleotide variant.
Coding change: c.874C>G on transcript NM_002834.5 (MANE Select); coding-DNA position 874, C replaced by G.
Protein change: p.Leu292Val; replaces leucine 292 with valine.
Molecular consequence: missense variant.
Genome position (GRCh38, 1-based): chr12:112,477,671, C>G. VCF-style: chr12-112477671-C-G. GRCh37 (hg19) VCF-style: chr12-112915475-C-G.
Other names: c.874C>G, p.Leu292Val (NM_001330437.2, NM_080601.3); c.871C>G, p.Leu291Val (NM_001374625.1); short protein forms L291V, L292V.
Identifiers: ClinVar variation 3940424 (VCV003940424.1).
Genomic context (GRCh38, chr12:112,477,671, plus strand): 5'-AGTCCAGGACTTATGTGACCGTGGTCTCTTTTTCTTCTAGTTGATCATACCAGGGTTGTC[C>G]TACACGATGGTGATCCCAATGAGCCTGTTTCAGATTACATCAATGCAAATATCATCATGG-3'
Protein context (NP_002825.3, residues 282-302): ILPFDHTRVV[Leu292Val]HDGDPNEPVS

ClinVar aggregate classification (germline): Uncertain significance (1 of 4 stars; one submission).

Conditions:
Cardiovascular phenotype. Identifiers: MedGen CN230736.

Submission:

Ambry Genetics
Classification: Uncertain significance for Cardiovascular phenotype. Last evaluated: 2025-05-21. Review status: criteria provided, single submitter. Criteria: Ambry Variant Classification Scheme 2023. Collection method: clinical testing. Allele origin: germline.
Comment: The p.L292V variant (also known as c.874C>G), located in coding exon 8 of the PTPN11 gene, results from a C to G substitution at nucleotide position 874. The leucine at codon 292 is replaced by valine, an amino acid with highly similar properties. This amino acid position is conserved. In addition, this alteration is predicted to be deleterious by in silico analysis. Based on the available evidence, the clinical significance of this variant remains unclear.